The following is an entry in ClinVar:

ClinVar aggregate classification (germline): Uncertain significance (1 of 4 stars; one submission).

Allele frequency attached by ClinVar (database versions not stated): gnomAD exomes below 0.00001; gnomAD 0.00001.
gnomAD v4.1: 2 of 1,612,804 alleles (0.00012%); highest among the groups gnomAD compares: South Asian, 0.0022%; no homozygotes.

Submission:

Labcorp Genetics (formerly Invitae), Labcorp
Classification: Uncertain significance. Last evaluated: 2022-02-20. Review status: criteria provided, single submitter. Criteria: Invitae Variant Classification Sherloc (09022015). Collection method: clinical testing. Allele origin: germline.
Comment: In summary, the available evidence is currently insufficient to determine the role of this variant in disease. Therefore, it has been classified as a Variant of Uncertain Significance. Algorithms developed to predict the effect of missense changes on protein structure and function are either unavailable or do not agree on the potential impact of this missense change (SIFT: "Tolerated"; PolyPhen-2: "Possibly Damaging"; Align-GVGD: "Class C0"). This variant has not been reported in the literature in individuals affected with WDR1-related conditions. This variant is not present in population databases (gnomAD no frequency). This sequence change replaces histidine, which is basic and polar, with tyrosine, which is neutral and polar, at codon 454 of the WDR1 protein (p.His454Tyr).

NM_017491.5(WDR1):c.1360C>T (p.His454Tyr)

Gene: WDR1 (WD repeat domain 1; minus strand). Cytogenetic location: 4p16.1.
Variant type: single nucleotide variant.
Coding change: c.1360C>T on transcript NM_017491.5 (MANE Select); coding-DNA position 1360, C replaced by T.
Protein change: p.His454Tyr; replaces histidine 454 with tyrosine.
Molecular consequence: missense variant.
Genome position (GRCh38, 1-based): chr4:10,078,926, G>A on the plus strand (C>T on the coding strand, the complement: WDR1 is on the minus strand). VCF-style: chr4-10078926-G-A. GRCh37 (hg19) VCF-style: chr4-10080550-G-A.
Other names: c.940C>T, p.His314Tyr (NM_005112.5); short protein forms H314Y, H454Y.
Identifiers: ClinVar variation 2100261 (VCV002100261.4), dbSNP rs1764903817, ClinGen allele CA356357464.
Genomic context (GRCh38, chr4:10,078,926, plus strand): 5'-CACGGGGGAGAGGAAAGCGACTTACCACACCCCCAATTGCCACCGTGTCCCCGCCGGGGT[G>A]CACTGCCACAACTTCGGGCTCGTAGCCGGGGTTGTCGATGCTGAAGCACTTCCTCTGATC-3'
Protein context (NP_059830.1, residues 444-464): PGYEPEVVAV[His454Tyr]PGGDTVAIGG